The following is an entry in ClinVar:

NM_000059.4(BRCA2):c.3254A>G (p.His1085Arg)

Gene: BRCA2 (BRCA2 DNA repair associated; plus strand). Cytogenetic location: 13q13.1.
Variant type: single nucleotide variant.
Coding change: c.3254A>G on transcript NM_000059.4 (MANE Select); coding-DNA position 3254, A replaced by G.
Protein change: p.His1085Arg; replaces histidine 1085 with arginine.
Molecular consequence: missense variant.
Genome position (GRCh38, 1-based): chr13:32,337,609, A>G. VCF-style: chr13-32337609-A-G. GRCh37 (hg19) VCF-style: chr13-32911746-A-G.
Other names: 3482A>G; short protein forms H1085R.
Identifiers: ClinVar variation 51432 (VCV000051432.31), dbSNP rs80358570, ClinGen allele CA017628.

ClinVar aggregate classification (germline): Conflicting classifications of pathogenicity. Review status: criteria provided, conflicting classifications (1 of 4 stars). 15 submissions from 15 submitters: Uncertain significance (2); Likely benign (8). 5 of the submissions do not count toward it. Last evaluated 2026-03-06.

Conditions:
Hereditary cancer-predisposing syndrome. Also called: Hereditary neoplastic syndrome; Neoplastic Syndromes, Hereditary; Hereditary Cancer Syndrome; Tumor predisposition. Identifiers: Orphanet 140162, MedGen C0027672, MeSH D009386, MONDO:0015356.
Hereditary breast ovarian cancer syndrome. Also called: Hereditary breast and ovarian cancer syndrome (HBOC); Breast and ovarian cancer; Hereditary breast and ovarian cancer syndrome; BRCA1- and BRCA2-Associated Hereditary Breast and Ovarian Cancer; Hereditary breast and/or ovarian cancer syndrome; Hereditary breast and ovarian cancer. Identifiers: Orphanet 145, MedGen C0677776, MeSH D061325, MONDO:0003582. Disease mechanism: loss of function.
Breast-ovarian cancer, familial, susceptibility to, 2 (BROVCA2). Also called: BRCA2 Hereditary Breast and Ovarian Cancer. Identifiers: Orphanet 145, MedGen C2675520, MONDO:0012933, OMIM 612555. Disease mechanism: loss of function.

Allele frequency attached by ClinVar (database versions not stated): gnomAD exomes 0.00001 and 0.00002; ExAC 0.00003; gnomAD 0.00003; TOPMed 0.00004.
gnomAD v4.1: 10 of 1,593,528 alleles (0.00063%); highest among the groups gnomAD compares: Admixed American, 0.0071%; no homozygotes.

Submissions (15):

Women's Health and Genetics/Laboratory Corporation of America, LabCorp
Classification: Likely benign. Last evaluated: 2026-03-06. Review status: criteria provided, single submitter. Criteria: LabCorp Variant Classification Summary - May 2015. Collection method: clinical testing. Allele origin: germline.
Comment: Variant summary: BRCA2 c.3254A>G (p.His1085Arg) results in a non-conservative amino acid change located in the BRCA2 repeat region, between the first and second repeat (IPR002093) of the encoded protein sequence. Algorithms developed to predict the effect of missense changes on protein structure and function are either unavailable or do not agree on the potential impact of this missense change. The variant allele was found at a frequency of 2.1e-05 in 236582 control chromosomes (gnomAD). The available data on variant occurrences in the general population are insufficient to allow any conclusion about variant significance. c.3254A>G has been observed in the literature as a VUS in a family affected with breast or ovarian cancer without segregation evidence shown (example, Gomez-Garcia_2005, subsequently cited by Romano_2007). These reports do not provide unequivocal conclusions about association of the variant with Hereditary Breast And Ovarian Cancer Syndrome. To our knowledge, no experimental evidence demonstrating an impact on protein function has been reported. The following publication has been ascertained in the context of this evaluation (PMID: 15800311). ClinVar contains an entry for this variant (Variation ID: 51432), with most submitters classifying the variant as likely benign. Based on the evidence outlined above, the variant was classified as likely benign.

Labcorp Genetics (formerly Invitae), Labcorp
Classification: Likely benign for Hereditary breast ovarian cancer syndrome. Last evaluated: 2025-11-17. Review status: criteria provided, single submitter. Criteria: Invitae Variant Classification Sherloc (09022015). Collection method: clinical testing. Allele origin: germline.

ARUP Laboratories, Molecular Genetics and Genomics, ARUP Laboratories
Classification: Likely benign. Last evaluated: 2024-09-26. Review status: criteria provided, single submitter. Criteria: ARUP Molecular Germline Variant Investigation Process 2024. Collection method: clinical testing. Allele origin: germline.

St. Jude Molecular Pathology, St. Jude Children's Research Hospital
Classification: Uncertain significance for Breast-ovarian cancer, familial, susceptibility to, 2. Last evaluated: 2024-08-05. Review status: criteria provided, single submitter. Criteria: St. Jude Assertion Criteria 2020. Collection method: clinical testing. Allele origin: germline.
Comment: The BRCA2 c.3254A>G (p.His1085Arg) missense change has a maximum subpopulation frequency of 0.0081% in gnomAD v2.1.1. The in silico tool BayesDel predicts a benign effect on protein function, but to our knowledge this prediction has not been confirmed by functional studies. This variant has been reported in individuals with breast cancer (BIC database). This variant is absent in the FLOSSIES database, which contains genetic variants from women older than 70 years of age who have never had cancer. To our knowledge, this variant has not been reported in individuals with Fanconi anemia. In summary, the evidence currently available is insufficient to determine the clinical significance of this variant. It has therefore been classified as of uncertain significance.

All of Us Research Program, National Institutes of Health
Classification: Likely benign for Breast-ovarian cancer, familial, susceptibility to, 2. Last evaluated: 2023-11-20. Review status: criteria provided, single submitter. Criteria: ACMG Guidelines, 2015. Collection method: clinical testing. Allele origin: germline. Inheritance: Autosomal dominant inheritance. Observed: 3 variant alleles, 3 heterozygotes.
Comment: This study involves interpretation of variants in research participants for the purpose of population health screening. Participant phenotype was not available at the time of variant classification. Additional details can be found in publication PMID: 35346344, PMCID: PMC8962531

Quest Diagnostics Nichols Institute San Juan Capistrano
Classification: Uncertain significance. Last evaluated: 2023-09-01. Review status: criteria provided, single submitter. Criteria: Quest Diagnostics criteria. Collection method: clinical testing. Allele origin: unknown.
Comment: In the published literature, this variant has been reported in a family at risk for hereditary breast and/or ovarian cancer (PMID: 15800311 (2005)) and is described to be located in a region BRCA2 that is tolerant to missense sequence changes (PMID: 31911673 (2020)). The frequency of this variant in the general population, 0.000081 (2/24642 chromosomes (Genome Aggregation Database)), is uninformative in the assessment of its pathogenicity. Analysis of this variant using bioinformatics tools for the prediction of the effect of amino acid changes on protein structure and function yielded predictions that this variant is benign. Based on the available information, we are unable to determine the clinical significance of this variant.

University of Washington Department of Laboratory Medicine, University of Washington
Classification: Likely benign for Hereditary cancer-predisposing syndrome. Last evaluated: 2023-03-23. Review status: criteria provided, single submitter. Criteria: Dines et al. (Genet Med. 2020). Collection method: curation. Allele origin: germline.
Comment: Missense variant in a coldspot region where missense variants are very unlikely to be pathogenic (PMID:31911673).

BRCA2 exon 11 coldspot. Reclassification based on statistical prior probability.

Ambry Genetics
Classification: Likely benign for Hereditary cancer-predisposing syndrome. Last evaluated: 2019-01-25. Review status: criteria provided, single submitter. Criteria: Ambry Variant Classification Scheme 2023. Collection method: clinical testing. Allele origin: germline.

Color Diagnostics, LLC DBA Color Health
Classification: Likely benign for Hereditary cancer-predisposing syndrome. Last evaluated: 2018-05-11. Review status: criteria provided, single submitter. Criteria: ACMG Guidelines, 2015. Collection method: clinical testing. Allele origin: germline.

GeneDx
Classification: Likely benign. Last evaluated: 2017-12-18. Review status: criteria provided, single submitter. Criteria: GeneDx Variant Classification (06012015). Collection method: clinical testing. Allele origin: germline. Affected: yes.
Comment: This variant is considered likely benign or benign based on one or more of the following criteria: it is a conservative change, it occurs at a poorly conserved position in the protein, it is predicted to be benign by multiple in silico algorithms, and/or has population frequency not consistent with disease.

Counsyl
Classification: Uncertain significance for Breast-ovarian cancer, familial, susceptibility to, 2. Last evaluated: 2017-09-18. Review status: no assertion criteria provided. Collection method: clinical testing. Allele origin: unknown. Not counted in ClinVar's aggregate classification.

Sharing Clinical Reports Project (SCRP)
Classification: Likely benign for Breast-ovarian cancer, familial 2. Last evaluated: 2012-03-01. Review status: no assertion criteria provided. Collection method: clinical testing. Allele origin: germline. Not counted in ClinVar's aggregate classification.

Breast Cancer Information Core (BIC) (BRCA2)
Classification: Uncertain significance for Breast-ovarian cancer, familial 2. Last evaluated: 2004-02-20. Review status: no assertion criteria provided. Collection method: clinical testing. Allele origin: germline. Affected: yes. Observed: 2 variant alleles. Not counted in ClinVar's aggregate classification.

Genome Diagnostics Laboratory, University Medical Center Utrecht
Classification: Likely benign. Review status: no assertion criteria provided. Collection method: clinical testing. Allele origin: germline. Affected: yes. Study: VKGL Data-share Consensus. Not counted in ClinVar's aggregate classification.

Joint Genome Diagnostic Labs from Nijmegen and Maastricht, Radboudumc and MUMC+
Classification: Likely benign. Review status: no assertion criteria provided. Collection method: clinical testing. Allele origin: germline. Affected: yes. Study: VKGL Data-share Consensus. Not counted in ClinVar's aggregate classification.

Literature cited by the submitters: PubMed 15800311 (cited by 3 submitters); PubMed 31911673 (cited by Quest Diagnostics Nichols Institute San Juan Capistrano); PubMed 31131967 (cited by Quest Diagnostics Nichols Institute San Juan Capistrano).